The following is an entry in ClinVar:

ClinVar aggregate classification (germline): Likely pathogenic (1 of 4 stars; one submission).

Conditions:
Glycogen storage disease, type V (GSD5). Also called: MCARDLE DISEASE; MUSCLE GLYCOGEN PHOSPHORYLASE DEFICIENCY; MYOPHOSPHORYLASE DEFICIENCY; PYGM DEFICIENCY; McArdle type glycogen storage disease. Identifiers: Orphanet 368, MedGen C0017924, MONDO:0009293, OMIM 232600.

Submission:

Laboratorio de Genetica e Diagnostico Molecular, Hospital Israelita Albert Einstein
Classification: Likely pathogenic for Glycogen storage disease, type V. Last evaluated: 2026-02-26. Review status: criteria provided, single submitter. Criteria: ACMG Guidelines, 2015. Collection method: clinical testing. Allele origin: germline. Affected: yes.
Comment: ACMG classification criteria: PVS1 very strong, PM2 supporting

NM_005609.4(PYGM):c.49dup (p.Arg17fs)

Gene: PYGM (glycogen phosphorylase, muscle associated; minus strand). Cytogenetic location: 11q13.1.
Variant type: Duplication.
Coding change: c.49dup on transcript NM_005609.4 (MANE Select); coding-DNA position 49, one base duplicated (C; older notation c.49dupC).
Protein change: p.Arg17fs; shifts the reading frame from arginine 17.
Molecular consequence: frameshift variant.
Genome position (GRCh38, 1-based): chr11:64,759,850, G duplicated on the plus strand (C on the coding strand, the reverse complement: PYGM is on the minus strand). VCF-style (leftmost placement, unchanged base first): chr11-64759849-C-CG. GRCh37 (hg19) VCF-style: chr11-64527321-C-CG.
Other names: c.49dup, p.Arg17fs (NM_001164716.1); short protein forms R17fs.
Identifiers: ClinVar variation 4846917 (VCV004846917.1).